The following is an entry in ClinVar:

NM_000540.3(RYR1):c.14845G>T (p.Glu4949Ter)

Gene: RYR1 (ryanodine receptor 1; plus strand). Cytogenetic location: 19q13.2.
Variant type: single nucleotide variant.
Coding change: c.14845G>T on transcript NM_000540.3 (MANE Select); coding-DNA position 14845, G replaced by T.
Protein change: p.Glu4949Ter; replaces glutamic acid 4949 with a stop codon.
Molecular consequence: nonsense.
Genome position (GRCh38, 1-based): chr19:38,585,979, G>T. VCF-style: chr19-38585979-G-T. GRCh37 (hg19) VCF-style: chr19-39076619-G-T.
Other names: c.14830G>T, p.Glu4944Ter (NM_001042723.2); short protein forms E4944*, E4949*.
Identifiers: ClinVar variation 2114327 (VCV002114327.4), dbSNP rs2514778854, ClinGen allele CA405692414.
Genomic context (GRCh38, chr19:38,585,979, plus strand): 5'-TTGTGTCCTGCCACCCCAGGTCTGATCATCGACGCTTTTGGTGAGCTCCGAGACCAACAA[G>T]AGCAAGTGAAGGAGGATATGGAGGTAGGTCATGTCTGGGGGTGACCCAGAGGGATTACGG-3'

ClinVar aggregate classification (germline): Pathogenic (1 of 4 stars; one submission).

Conditions:
RYR1-related disorder. Also called: RYR1-related condition; RYR1-related disorders. Identifiers: MedGen CN239331.

Submission:

Labcorp Genetics (formerly Invitae), Labcorp
Classification: Pathogenic for RYR1-related disorder. Last evaluated: 2022-03-19. Review status: criteria provided, single submitter. Criteria: Invitae Variant Classification Sherloc (09022015). Collection method: clinical testing. Allele origin: germline.
Comment: For these reasons, this variant has been classified as Pathogenic. This sequence change creates a premature translational stop signal (p.Glu4949*) in the RYR1 gene. It is expected to result in an absent or disrupted protein product. Loss-of-function variants in RYR1 are known to be pathogenic (PMID: 20583297, 20839240, 23919265, 28818389). This variant is not present in population databases (gnomAD no frequency). This variant has not been reported in the literature in individuals affected with RYR1-related conditions.

Literature cited by the submitters: PubMed 20583297; PubMed 20839240; PubMed 23919265; PubMed 28818389.